The following is an entry in ClinVar:

NM_053025.4(MYLK):c.3120_3155del (p.1032_1043AETLKPMGNAKP[1])

Gene: MYLK (myosin light chain kinase; minus strand). Cytogenetic location: 3q21.1.
Variant type: Deletion.
Coding change: c.3120_3155del on transcript NM_053025.4 (MANE Select); coding-DNA positions 3120 to 3155, 36 bases deleted.
Protein change: p.1032_1043AETLKPMGNAKP[1].
Molecular consequence: inframe deletion.
Genome position (GRCh38, 1-based): chr3:123,700,313-123,700,348, 36 bases deleted; deleting any 36 consecutive bases within chr3:123,700,313-123,700,356 gives the same sequence; the c. name uses the placement nearest the transcript's 3' end. GRCh37 (hg19): chr3:123,419,168-123,419,203.
Other names: c.2592_2627del, p.856_867AETLKPMGNAKP[1] (NM_001321309.2); c.2913_2948del, p.963_974AETLKPMGNAKP[1] (NM_053026.4, NM_053028.4); c.3120_3155del, p.1032_1043AETLKPMGNAKP[1] (NM_053027.4); c.3120_3155del36 (NM_053025.3).
Identifiers: ClinVar variation 539081 (VCV000539081.5), dbSNP rs779483683, ClinGen allele CA069374.

ClinVar aggregate classification (germline): Uncertain significance. Review status: criteria provided, multiple submitters, no conflicts (2 of 4 stars). 2 submissions from 2 submitters: Uncertain significance (2). Last evaluated 2026-02-01.

Conditions:
Familial thoracic aortic aneurysm and aortic dissection (TAAD). Also called: Thoracic aortic aneurysms and dissections. Identifiers: Orphanet 91387, MedGen C4707243, MONDO:0019625.
Aortic aneurysm, familial thoracic 7 (AAT7). Also called: AORTIC DISSECTION, FAMILIAL, WITH OR WITHOUT AORTIC ANEURYSM. Identifiers: MedGen C3151077, MONDO:0013418, OMIM 613780.

Submissions (2):

Labcorp Genetics (formerly Invitae), Labcorp
Classification: Uncertain significance for Aortic aneurysm, familial thoracic 7. Last evaluated: 2026-02-01. Review status: criteria provided, single submitter. Criteria: Invitae Variant Classification Sherloc (09022015). Collection method: clinical testing. Allele origin: germline.
Comment: This variant, c.3120_3155del, results in the deletion of 12 amino acid(s) of the MYLK protein (p.Ala1044_Pro1055del), but otherwise preserves the integrity of the reading frame. This variant is present in population databases (rs779483683, gnomAD 0.007%). This variant has not been reported in the literature in individuals affected with MYLK-related conditions. ClinVar contains an entry for this variant (Variation ID: 539081). Experimental studies and prediction algorithms are not available or were not evaluated, and the functional significance of this variant is currently unknown. In summary, the available evidence is currently insufficient to determine the role of this variant in disease. Therefore, it has been classified as a Variant of Uncertain Significance.

Ambry Genetics
Classification: Uncertain significance for Familial thoracic aortic aneurysm and aortic dissection. Last evaluated: 2025-08-27. Review status: criteria provided, single submitter. Criteria: Ambry Variant Classification Scheme 2023. Collection method: clinical testing. Allele origin: germline.
Comment: The c.3120_3155del36 variant (also known as p.A1044_P1055del) is located in coding exon 15 of the MYLK gene. This variant results from an in-frame CGCCAAGCCTGCCGAGACCCTGAAGCCCATGGGCAA deletion at nucleotide positions 3120 to 3155. This results in the in-frame deletion of 12 residues from codon 1044 to 1055. This amino acid region ranges from well conserved to not well conserved in available vertebrate species. In addition, this variant is predicted to be deleterious by in silico analysis (Choi Y et al. PLoS ONE. 2012; 7(10):e46688). Based on data from gnomAD, the this allele has an overall frequency of 0.01% 32/282778 total alleles studied. The highest observed frequency was 0.06% 15/24942 of African alleles. Based on the available evidence, the clinical significance of this variant remains unclear.